The following is an entry in ClinVar:

NM_014927.5(CNKSR2):c.2666C>A (p.Ala889Glu)

Gene: CNKSR2 (connector enhancer of kinase suppressor of Ras 2; plus strand). Cytogenetic location: Xp22.12.
Variant type: single nucleotide variant.
Coding change: c.2666C>A on transcript NM_014927.5 (MANE Select); coding-DNA position 2666, C replaced by A.
Protein change: p.Ala889Glu; replaces alanine 889 with glutamic acid.
Molecular consequence: missense variant.
Genome position (GRCh38, 1-based): chrX:21,609,591, C>A. VCF-style: chrX-21609591-C-A. GRCh37 (hg19) VCF-style: chrX-21627709-C-A.
Other names: c.2576C>A, p.Ala859Glu (NM_001168647.3, NM_001330773.2); c.2666C>A, p.Ala889Glu (NM_001168648.3); c.2519C>A, p.Ala840Glu (NM_001168649.3, NM_001330770.2); c.2429C>A, p.Ala810Glu (NM_001330771.2, NM_001330772.2); short protein forms A810E, A840E, A859E, A889E.
Identifiers: ClinVar variation 1683664 (VCV001683664.2), dbSNP rs893893504, ClinGen allele CA327425901.

ClinVar aggregate classification (germline): Uncertain significance (1 of 4 stars; one submission).

Conditions:
Intellectual developmental disorder, X-linked, syndromic, Houge type. Also called: MENTAL RETARDATION, X-LINKED, SYNDROMIC, HOUGE TYPE; Intellectual disability, X-linked, syndromic, Houge type. Identifiers: MedGen C4538788, MONDO:0030909, OMIM 301008.

Allele frequency attached by ClinVar (database versions not stated): gnomAD 0.00001; gnomAD exomes below 0.00001; TOPMed 0.00005.
gnomAD v4.1: 3 of 1,202,520 alleles (0.00025%); highest among the groups gnomAD compares: Admixed American, 0.0022%; no homozygotes.

Submission:

Laboratorio de Genetica e Diagnostico Molecular, Hospital Israelita Albert Einstein
Classification: Uncertain significance for Intellectual developmental disorder, X-linked, syndromic, Houge type. Last evaluated: 2021-09-21. Review status: criteria provided, single submitter. Criteria: ACMG Guidelines, 2015. Collection method: clinical testing. Allele origin: germline. Affected: yes.
Comment: ACMG classification criteria: PM2 moderate, PP2 supporting, BP4 supporting